The following is an entry in ClinVar:

NM_004656.4(BAP1):c.410T>C (p.Leu137Ser)

Gene: BAP1 (BRCA1 associated deubiquitinase 1; minus strand). Cytogenetic location: 3p21.1.
Variant type: single nucleotide variant.
Coding change: c.410T>C on transcript NM_004656.4 (MANE Select); coding-DNA position 410, T replaced by C.
Protein change: p.Leu137Ser; replaces leucine 137 with serine.
Molecular consequence: missense variant.
Genome position (GRCh38, 1-based): chr3:52,407,426, A>G on the plus strand (T>C on the coding strand, the complement: BAP1 is on the minus strand). VCF-style: chr3-52407426-A-G. GRCh37 (hg19) VCF-style: chr3-52441442-A-G.
Other names: c.410T>C, p.Leu137Ser (NM_001410772.1); short protein forms L137S.
Identifiers: ClinVar variation 3359892 (VCV003359892.1).

ClinVar aggregate classification (germline): Uncertain significance (1 of 4 stars; one submission).

Submission:

GeneDx
Classification: Uncertain significance. Last evaluated: 2023-06-16. Review status: criteria provided, single submitter. Criteria: GeneDx Variant Classification Process June 2021. Collection method: clinical testing. Allele origin: germline. Affected: yes.
Comment: Not observed at significant frequency in large population cohorts (gnomAD); In silico analysis supports that this missense variant has a deleterious effect on protein structure/function; Has not been previously published as pathogenic or benign to our knowledge